The following is an entry in ClinVar:

NM_001849.4(COL6A2):c.225G>T (p.Pro75=)

Gene: COL6A2 (collagen type VI alpha 2 chain; plus strand). Cytogenetic location: 21q22.3.
Variant type: single nucleotide variant.
Coding change: c.225G>T on transcript NM_001849.4 (MANE Select); coding-DNA position 225, G replaced by T.
Protein change: p.Pro75=; no amino-acid change (proline 75 retained).
Molecular consequence: synonymous variant.
Genome position (GRCh38, 1-based): chr21:46,112,088, G>T. VCF-style: chr21-46112088-G-T. GRCh37 (hg19) VCF-style: chr21-47532002-G-T.
Other names: c.225G>T, p.Pro75= (NM_058174.3, NM_058175.3).
Identifiers: ClinVar variation 497185 (VCV000497185.16), dbSNP rs143678454, ClinGen allele CA10071239.

ClinVar aggregate classification (germline): Conflicting classifications of pathogenicity. Review status: criteria provided, conflicting classifications (1 of 4 stars). 5 submissions from 5 submitters: Uncertain significance (1); Likely benign (3). 1 of the submissions does not count toward it. Last evaluated 2025-08-26.

Conditions:
COL6A2-related disorder.
Bethlem myopathy 1A. Also called: Bethlem myopathy 1; Bethlem Muscular Dystrophy; MYOPATHY, BENIGN CONGENITAL, WITH CONTRACTURES. Identifiers: Orphanet 610, MedGen CN029274, MONDO:0024530, OMIM 158810.

Allele frequency attached by ClinVar (database versions not stated): 1000 Genomes Project 0.00020; TOPMed 0.00025; 1000 Genomes Project 30x 0.00031; ESP Exome Variant Server 0.00031; gnomAD 0.00032.
gnomAD v4.1: 110 of 1,613,190 alleles (0.0068%); highest among the groups gnomAD compares: African/African-American, 0.087%; no homozygotes.

Submissions (5):

Labcorp Genetics (formerly Invitae), Labcorp
Classification: Likely benign for Bethlem myopathy 1A. Last evaluated: 2025-08-26. Review status: criteria provided, single submitter. Criteria: Invitae Variant Classification Sherloc (09022015). Collection method: clinical testing. Allele origin: germline.

Blueprint Genetics
Classification: Likely benign. Last evaluated: 2022-06-17. Review status: criteria provided, single submitter. Criteria: ACMG Guidelines, 2015. Collection method: clinical testing. Allele origin: germline.

GeneDx
Classification: Likely benign. Last evaluated: 2017-06-22. Review status: criteria provided, single submitter. Criteria: GeneDx Variant Classification (06012015). Collection method: clinical testing. Allele origin: germline. Affected: yes.
Comment: This variant is considered likely benign or benign based on one or more of the following criteria: it is a conservative change, it occurs at a poorly conserved position in the protein, it is predicted to be benign by multiple in silico algorithms, and/or has population frequency not consistent with disease.

Eurofins Ntd Llc (ga)
Classification: Uncertain significance. Last evaluated: 2016-10-12. Review status: criteria provided, single submitter. Criteria: EGL Classification Definitions 2015. Collection method: clinical testing. Allele origin: germline. Observed: 2 variant alleles, 2 heterozygotes.

PreventionGenetics, part of Exact Sciences
Classification: Likely benign for COL6A2-related condition. Last evaluated: 2019-08-13. Review status: no assertion criteria provided. Collection method: clinical testing. Allele origin: germline. Not counted in ClinVar's aggregate classification.
Comment: This variant is classified as likely benign based on ACMG/AMP sequence variant interpretation guidelines (Richards et al. 2015 PMID: 25741868, with internal and published modifications).